The following is an entry in ClinVar:

ClinVar aggregate classification (germline): Uncertain significance (1 of 4 stars; one submission).

Allele frequency attached by ClinVar (database versions not stated): gnomAD exomes 0.00001; ExAC 0.00003; TOPMed 0.00003; gnomAD 0.00005.
gnomAD v4.1: 13 of 1,194,412 alleles (0.0011%); highest among the groups gnomAD compares: African/African-American, 0.019%; no homozygotes.

Submission:

Labcorp Genetics (formerly Invitae), Labcorp
Classification: Uncertain significance. Last evaluated: 2024-11-05. Review status: criteria provided, single submitter. Criteria: Invitae Variant Classification Sherloc (09022015). Collection method: clinical testing. Allele origin: germline.
Comment: This sequence change replaces glutamic acid, which is acidic and polar, with glutamine, which is neutral and polar, at codon 9 of the PIH1D3 protein (p.Glu9Gln). This variant is present in population databases (rs770708166, gnomAD 0.02%). This variant has not been reported in the literature in individuals affected with PIH1D3-related conditions. ClinVar contains an entry for this variant (Variation ID: 2970368). An algorithm developed to predict the effect of missense changes on protein structure and function (PolyPhen-2) suggests that this variant is likely to be tolerated. In summary, the available evidence is currently insufficient to determine the role of this variant in disease. Therefore, it has been classified as a Variant of Uncertain Significance.

NM_173494.2(DNAAF6):c.25G>C (p.Glu9Gln)

Gene: DNAAF6 (dynein axonemal assembly factor 6; plus strand). Cytogenetic location: Xq22.3.
Variant type: single nucleotide variant.
Coding change: c.25G>C on transcript NM_173494.2 (MANE Select); coding-DNA position 25, G replaced by C.
Protein change: p.Glu9Gln; replaces glutamic acid 9 with glutamine.
Molecular consequence: missense variant.
Genome position (GRCh38, 1-based): chrX:107,212,900, G>C. VCF-style: chrX-107212900-G-C. GRCh37 (hg19) VCF-style: chrX-106456130-G-C.
Other names: c.25G>C, p.Glu9Gln (NM_001169154.2); short protein forms E9Q.
Identifiers: ClinVar variation 2970368 (VCV002970368.3), dbSNP rs770708166, ClinGen allele CA10484595.
Genomic context (GRCh38, chrX:107,212,900, plus strand): 5'-AAAATACCTCTTTCTGATTATCTTTTTCTTCAGATAATGGAATCTGAAAATATGGATTCT[G>C]AAAATATGAAGACAGAAAATATGGAATCTCAAAATGTAGACTTTGAGAGTGTTTCTTCAG-3'
Protein context (NP_775765.1, residues 1-19): MESENMDS[Glu9Gln]NMKTENMESQ